The following is an entry in ClinVar:

ClinVar aggregate classification (germline): Uncertain significance (1 of 4 stars; one submission).

Allele frequency attached by ClinVar (database versions not stated): gnomAD exomes below 0.00001.

Submission:

Labcorp Genetics (formerly Invitae), Labcorp
Classification: Uncertain significance. Last evaluated: 2023-07-25. Review status: criteria provided, single submitter. Criteria: Invitae Variant Classification Sherloc (09022015). Collection method: clinical testing. Allele origin: germline.
Comment: In summary, the available evidence is currently insufficient to determine the role of this variant in disease. Therefore, it has been classified as a Variant of Uncertain Significance. An algorithm developed to predict the effect of missense changes on protein structure and function (PolyPhen-2) suggests that this variant is likely to be tolerated. This variant has not been reported in the literature in individuals affected with IMPDH1-related conditions. This variant is not present in population databases (gnomAD no frequency). This sequence change replaces tyrosine, which is neutral and polar, with cysteine, which is neutral and slightly polar, at codon 367 of the IMPDH1 protein (p.Tyr367Cys).

NM_000883.4(IMPDH1):c.1100A>G (p.Tyr367Cys)

Gene: IMPDH1 (inosine monophosphate dehydrogenase 1; minus strand). Cytogenetic location: 7q32.1.
Variant type: single nucleotide variant.
Coding change: c.1100A>G on transcript NM_000883.4 (MANE Select); coding-DNA position 1100, A replaced by G.
Protein change: p.Tyr367Cys; replaces tyrosine 367 with cysteine.
Molecular consequence: missense variant.
Genome position (GRCh38, 1-based): chr7:128,396,997, T>C on the plus strand (A>G on the coding strand, the complement: IMPDH1 is on the minus strand). VCF-style: chr7-128396997-T-C. GRCh37 (hg19) VCF-style: chr7-128037051-T-C.
Other names: c.1001A>G, p.Tyr334Cys (NM_001142576.2); c.893A>G, p.Tyr298Cys (NM_001304521.2); c.992A>G, p.Tyr331Cys (NM_183243.3); c.1070A>G, p.Tyr357Cys (NM_001102605.2); c.845A>G, p.Tyr282Cys (NM_001142573.2); c.830A>G, p.Tyr277Cys (NM_001142574.2); c.770A>G, p.Tyr257Cys (NM_001142575.2); short protein forms Y257C, Y277C, Y331C, Y357C, Y367C, Y282C, Y298C, Y334C.
Identifiers: ClinVar variation 2730503 (VCV002730503.3), dbSNP rs2535743174, ClinGen allele CA369166442.